The following is an entry in ClinVar:

ClinVar aggregate classification (germline): Likely benign (1 of 4 stars; one submission).

Conditions:
Sessile serrated polyposis cancer syndrome (SSPCS). Identifiers: Orphanet 157798, MedGen C4310714, MONDO:0014919, OMIM 617108.

gnomAD v4.1: 10 of 1,563,254 alleles (0.00064%); no homozygotes.

Submission:

Myriad Genetics, Inc.
Classification: Likely benign for Sessile serrated polyposis cancer syndrome. Last evaluated: 2026-06-26. Review status: criteria provided, single submitter. Criteria: Myriad Autosomal Dominant, Autosomal Recessive and X-Linked Classification Criteria (2023). Collection method: clinical testing. Allele origin: unknown.
Comment: This variant is considered likely benign. This variant is intronic and is not expected to impact mRNA splicing.

NM_017763.6(RNF43):c.253-12C>T

Gene: RNF43 (ring finger protein 43; minus strand). Cytogenetic location: 17q22.
Variant type: single nucleotide variant.
Coding change: c.253-12C>T on transcript NM_017763.6 (MANE Select); 12 bases into the intron before coding-DNA position 253, C replaced by T.
Molecular consequence: intron variant.
Genome position (GRCh38, 1-based): chr17:58,371,045, G>A on the plus strand (C>T on the coding strand, the complement: RNF43 is on the minus strand). VCF-style: chr17-58371045-G-A. GRCh37 (hg19) VCF-style: chr17-56448406-G-A.
Other names: c.253-12C>T (NM_001438822.1, NM_001305544.3, NM_001438820.1 and 1 more transcripts); c.-129-12C>T (NM_001305545.2, NM_001437987.1).
Identifiers: ClinVar variation 4875793 (VCV004875793.1).